The following is an entry in ClinVar:

NM_000535.7(PMS2):c.887C>T (p.Pro296Leu)

Gene: PMS2 (PMS1 homolog 2, mismatch repair system component; minus strand). Cytogenetic location: 7p22.1.
Variant type: single nucleotide variant.
Coding change: c.887C>T on transcript NM_000535.7 (MANE Select); coding-DNA position 887, C replaced by T.
Protein change: p.Pro296Leu; replaces proline 296 with leucine.
Molecular consequence: missense variant. On other transcripts: 5 prime UTR variant (2), non-coding transcript variant (1).
Genome position (GRCh38, 1-based): chr7:5,995,550, G>A on the plus strand (C>T on the coding strand, the complement: PMS2 is on the minus strand). VCF-style: chr7-5995550-G-A. GRCh37 (hg19) VCF-style: chr7-6035181-G-A.
Other names: c.482C>T, p.Pro161Leu (NM_001322003.2, NM_001322004.2, NM_001322005.2 and 2 more transcripts); c.887C>T, p.Pro296Leu (NM_001322006.2, NM_001322014.2); c.569C>T, p.Pro190Leu (NM_001322007.2, NM_001322008.2); c.-47C>T (NM_001322011.2, NM_001322012.2); c.314C>T, p.Pro105Leu (NM_001322013.2); c.578C>T, p.Pro193Leu (NM_001322015.2); c.887C>T (NM_000535.6); short protein forms P296L, P105L, P190L, P161L, P193L.
Identifiers: ClinVar variation 575231 (VCV000575231.9), dbSNP rs1562663523, ClinGen allele CA366743426.

ClinVar aggregate classification (germline): Uncertain significance. Review status: criteria provided, multiple submitters, no conflicts (2 of 4 stars). 2 submissions from 2 submitters: Uncertain significance (2). Last evaluated 2024-03-27.

Conditions:
Hereditary nonpolyposis colorectal neoplasms. Identifiers: MedGen C0009405, MeSH D003123.

Submissions (2):

Quest Diagnostics Nichols Institute San Juan Capistrano
Classification: Uncertain significance. Last evaluated: 2024-03-27. Review status: criteria provided, single submitter. Criteria: Quest Diagnostics criteria. Collection method: clinical testing. Allele origin: unknown.
Comment: The PMS2 c.887C>T (p.Pro296Leu) variant has not been reported in individuals with PMS2-related conditions in the published literature. It also has not been reported in large, multi-ethnic general populations (Genome Aggregation Database). Analysis of this variant using bioinformatics tools for the prediction of the effect of amino acid changes on protein structure and function yielded conflicting predictions that this variant is deleterious or benign. Based on the available information, we are unable to determine the clinical significance of this variant.

Labcorp Genetics (formerly Invitae), Labcorp
Classification: Uncertain significance for Hereditary nonpolyposis colorectal neoplasms. Last evaluated: 2021-03-24. Review status: criteria provided, single submitter. Criteria: Invitae Variant Classification Sherloc (09022015). Collection method: clinical testing. Allele origin: germline.
Comment: This sequence change replaces proline with leucine at codon 296 of the PMS2 protein (p.Pro296Leu). The proline residue is highly conserved and there is a moderate physicochemical difference between proline and leucine. This variant is not present in population databases (ExAC no frequency). This variant has not been reported in the literature in individuals with PMS2-related conditions. ClinVar contains an entry for this variant (Variation ID: 575231). Algorithms developed to predict the effect of missense changes on protein structure and function (SIFT, PolyPhen-2, Align-GVGD) all suggest that this variant is likely to be disruptive, but these predictions have not been confirmed by published functional studies and their clinical significance is uncertain. In summary, the available evidence is currently insufficient to determine the role of this variant in disease. Therefore, it has been classified as a Variant of Uncertain Significance.